The following is an entry in ClinVar:

ClinVar aggregate classification (germline): Pathogenic/Likely pathogenic. Review status: criteria provided, multiple submitters, no conflicts (2 of 4 stars). 5 submissions from 5 submitters: Pathogenic (3); Likely pathogenic (2). Last evaluated 2026-01-10.

Conditions:
Breast and/or ovarian cancer. Identifiers: MedGen CN221562.
Familial cancer of breast. Also called: hereditary breast carcinoma; Hereditary breast cancer; BREAST CANCER, FAMILIAL. Identifiers: Orphanet 227535, MedGen C0346153, MONDO:0016419, OMIM 114480. Disease mechanism: loss of function.
Hereditary cancer-predisposing syndrome. Also called: Neoplastic Syndromes, Hereditary; Hereditary neoplastic syndrome; Hereditary Cancer Syndrome; Tumor predisposition. Identifiers: Orphanet 140162, MedGen C0027672, MeSH D009386, MONDO:0015356.
Ataxia-telangiectasia syndrome (AT). Also called: ATAXIA-TELANGIECTASIA, FRESNO VARIANT; Ataxia-telangiectasia, complementation group D; Cerebello-oculocutaneous telangiectasia; Immunodeficiency with ataxia telangiectasia; Ataxia-telangiectasia; Ataxia telangiectasia (A-T). Identifiers: Orphanet 100, MedGen C0004135, MONDO:0008840, OMIM 208900.

Submissions (5):

Labcorp Genetics (formerly Invitae), Labcorp
Classification: Pathogenic for Ataxia-telangiectasia syndrome. Last evaluated: 2026-01-10. Review status: criteria provided, single submitter. Criteria: Invitae Variant Classification Sherloc (09022015). Collection method: clinical testing. Allele origin: germline.
Comment: This sequence change creates a premature translational stop signal (p.Val1318Serfs*31) in the ATM gene. It is expected to result in an absent or disrupted protein product. Loss-of-function variants in ATM are known to be pathogenic (PMID: 23807571, 25614872). This variant is not present in population databases (gnomAD no frequency). This variant has not been reported in the literature in individuals affected with ATM-related conditions. ClinVar contains an entry for this variant (Variation ID: 656621). For these reasons, this variant has been classified as Pathogenic.

Ambry Genetics
Classification: Pathogenic for Hereditary cancer-predisposing syndrome. Last evaluated: 2025-07-17. Review status: criteria provided, single submitter. Criteria: Ambry Variant Classification Scheme 2023. Collection method: clinical testing. Allele origin: germline.
Comment: The c.3952delG variant, located in coding exon 25 of the ATM gene, results from a deletion of one nucleotide at nucleotide position 3952, causing a translational frameshift with a predicted alternate stop codon (p.V1318Sfs*31). This variant is considered to be rare based on population cohorts in the Genome Aggregation Database (gnomAD). This alteration is expected to result in loss of function by premature protein truncation or nonsense-mediated mRNA decay. As such, this alteration is interpreted as a disease-causing mutation.

Myriad Genetics, Inc.
Classification: Pathogenic for Familial cancer of breast. Last evaluated: 2024-01-23. Review status: criteria provided, single submitter. Criteria: Myriad Autosomal Dominant, Autosomal Recessive and X-Linked Classification Criteria (2023). Collection method: clinical testing. Allele origin: unknown.
Comment: This variant is considered pathogenic. This variant creates a frameshift predicted to result in premature protein truncation.

Baylor Genetics
Classification: Likely pathogenic for Familial cancer of breast. Last evaluated: 2021-12-19. Review status: criteria provided, single submitter. Criteria: ACMG Guidelines, 2015. Collection method: clinical testing. Allele origin: unknown.

CHEO Genetics Diagnostic Laboratory, Children's Hospital of Eastern Ontario
Classification: Likely pathogenic for Breast and/or ovarian cancer. Last evaluated: 2021-10-04. Review status: criteria provided, single submitter. Criteria: ACMG Guidelines, 2015. Collection method: clinical testing. Allele origin: germline.

Literature cited by the submitters: PubMed 23807571 (cited by Labcorp Genetics (formerly Invitae), Labcorp); PubMed 25614872 (cited by Labcorp Genetics (formerly Invitae), Labcorp).

NM_000051.4(ATM):c.3952del (p.Val1318fs)

Gene: ATM (ATM serine/threonine kinase; plus strand). Cytogenetic location: 11q22.3.
Variant type: Deletion.
Coding change: c.3952del on transcript NM_000051.4 (MANE Select); coding-DNA position 3952, one base deleted (G; older notation c.3952delG).
Protein change: p.Val1318fs; shifts the reading frame from valine 1318.
Molecular consequence: frameshift variant.
Genome position (GRCh38, 1-based): chr11:108,284,432, G deleted; the last of 2 consecutive G bases (chr11:108,284,431-108,284,432); deleting either gives the same sequence. VCF-style (leftmost placement, unchanged base first): chr11-108284430-AG-A. GRCh37 (hg19) VCF-style: chr11-108155157-AG-A.
Other names: c.3952delG (NM_000051.3); c.3952del, p.Val1318fs (NM_001351834.2); short protein forms V1318fs.
Identifiers: ClinVar variation 656621 (VCV000656621.14), dbSNP rs1591646354, ClinGen allele CA915944405.